The following is an entry in ClinVar:

NM_000784.4(CYP27A1):c.1375del (p.Arg459fs)

Gene: CYP27A1 (cytochrome P450 family 27 subfamily A member 1; plus strand). Cytogenetic location: 2q35.
Variant type: Deletion.
Coding change: c.1375del on transcript NM_000784.4 (MANE Select); coding-DNA position 1375, one base deleted (A; older notation c.1375delA).
Protein change: p.Arg459fs; shifts the reading frame from arginine 459.
Molecular consequence: frameshift variant.
Genome position (GRCh38, 1-based): chr2:218,814,656, A deleted. VCF-style (leftmost placement, unchanged base first): chr2-218814655-CA-C. GRCh37 (hg19) VCF-style: chr2-219679378-CA-C.
Other names: short protein forms R459fs.
Identifiers: ClinVar variation 2009088 (VCV002009088.4), dbSNP rs2470230045, ClinGen allele CA2580065703.
Genomic context (GRCh38, chr2:218,814,655, plus strand): 5'-CTCTGAGCCTGAAAGCTTCCAGCCCCACCGCTGGCTGAGAAACAGCCAGCCTGCTACCCC[CA>C]GGATCCAGCACCCATTTGGCTCTGTGCCCTTTGGCTATGGGGTCCGGGCCTGCCTGGGCC-3'

ClinVar aggregate classification (germline): Pathogenic (1 of 4 stars; one submission).

Conditions:
Cholestanol storage disease (CTX). Also called: CTX: Cerebrotendinous xanthomatosis; Cerebrotendinous Xanthomatosis; CEREBRAL CHOLESTERINOSIS. Identifiers: Orphanet 909, MedGen C0238052, MONDO:0008948, OMIM 213700.

Submission:

Labcorp Genetics (formerly Invitae), Labcorp
Classification: Pathogenic for Cholestanol storage disease. Last evaluated: 2022-06-22. Review status: criteria provided, single submitter. Criteria: Invitae Variant Classification Sherloc (09022015). Collection method: clinical testing. Allele origin: germline.
Comment: This sequence change creates a premature translational stop signal (p.Arg459Glyfs*35) in the CYP27A1 gene. While this is not anticipated to result in nonsense mediated decay, it is expected to disrupt the last 73 amino acid(s) of the CYP27A1 protein. This variant is not present in population databases (gnomAD no frequency). This variant has not been reported in the literature in individuals affected with CYP27A1-related conditions. This variant disrupts a region of the CYP27A1 protein in which other variant(s) (p.Arg513Cys) have been determined to be pathogenic (PMID: 28623566, 31743419, 32714376). This suggests that this is a clinically significant region of the protein, and that variants that disrupt it are likely to be disease-causing. For these reasons, this variant has been classified as Pathogenic.

Literature cited by the submitters: PubMed 28623566; PubMed 31743419; PubMed 32714376.